The following is an entry in ClinVar:

NM_022124.6(CDH23):c.2954-15C>T

Gene: CDH23 (cadherin related 23; plus strand). Cytogenetic location: 10q22.1.
Variant type: single nucleotide variant.
Coding change: c.2954-15C>T on transcript NM_022124.6 (MANE Select); 15 bases into the intron before coding-DNA position 2954, C replaced by T.
Molecular consequence: intron variant.
Genome position (GRCh38, 1-based): chr10:71,706,882, C>T. VCF-style: chr10-71706882-C-T. GRCh37 (hg19) VCF-style: chr10-73466639-C-T.
Other names: c.2954-15C>T (NM_001171930.2, NM_001171931.2).
Identifiers: ClinVar variation 504716 (VCV000504716.19), dbSNP rs376377077, ClinGen allele CA5544402.

ClinVar aggregate classification (germline): Conflicting classifications of pathogenicity. Review status: criteria provided, conflicting classifications (1 of 4 stars). 7 submissions from 6 submitters: Uncertain significance (2); Benign (1); Likely benign (4). Last evaluated 2026-02-02.

Conditions:
Usher syndrome type 1D (USH1D). Also called: USHER SYNDROME, TYPE ID. Identifiers: Orphanet 231169, Orphanet 886, MedGen C1832845, MONDO:0010984, OMIM 601067.
Autosomal recessive nonsyndromic hearing loss 12. Also called: DEAFNESS, AUTOSOMAL RECESSIVE 12. Identifiers: Orphanet 90636, MedGen C1832394, MONDO:0011067, OMIM 601386.
CDH23-related disorder. Also called: CDH23-related condition; CDH23-related disorders.

Allele frequency attached by ClinVar (database versions not stated): gnomAD exomes 0.00029; 1000 Genomes Project 0.00040; 1000 Genomes Project 30x 0.00047; ExAC 0.00065; gnomAD 0.00108 and 0.00120; TOPMed 0.00130; ESP Exome Variant Server 0.00143.
gnomAD v4.1: 371 of 1,583,470 alleles (0.023%); highest among the groups gnomAD compares: African/African-American, 0.39%; no homozygotes.

Submissions (7):

Labcorp Genetics (formerly Invitae), Labcorp
Classification: Benign. Last evaluated: 2026-02-02. Review status: criteria provided, single submitter. Criteria: Invitae Variant Classification Sherloc (09022015). Collection method: clinical testing. Allele origin: germline.

Women's Health and Genetics/Laboratory Corporation of America, LabCorp
Classification: Likely benign. Last evaluated: 2025-11-14. Review status: criteria provided, single submitter. Criteria: LabCorp Variant Classification Summary - May 2015. Collection method: clinical testing. Allele origin: germline.

PreventionGenetics, part of Exact Sciences
Classification: Likely benign for CDH23-related condition. Last evaluated: 2024-10-11. Review status: criteria provided, single submitter. Criteria: ACMG Guidelines, 2015. Collection method: clinical testing. Allele origin: germline.
Comment: This variant is classified as likely benign based on ACMG/AMP sequence variant interpretation guidelines (Richards et al. 2015 PMID: 25741868, with internal and published modifications).

Blueprint Genetics
Classification: Likely benign. Last evaluated: 2024-09-26. Review status: criteria provided, single submitter. Criteria: ACMG Guidelines, 2015. Collection method: clinical testing. Allele origin: germline.

Illumina Laboratory Services, Illumina
Classification: Uncertain significance for Usher syndrome type 1D. Last evaluated: 2017-04-27. Review status: criteria provided, single submitter. Criteria: ICSL Variant Classification Criteria 13 December 2019. Collection method: clinical testing. Allele origin: germline.

Illumina Laboratory Services, Illumina
Classification: Uncertain significance for Autosomal recessive nonsyndromic hearing loss 12. Last evaluated: 2017-04-27. Review status: criteria provided, single submitter. Criteria: ICSL Variant Classification Criteria 13 December 2019. Collection method: clinical testing. Allele origin: germline.

Laboratory for Molecular Medicine, Mass General Brigham Personalized Medicine
Classification: Likely benign. Last evaluated: 2016-07-21. Review status: criteria provided, single submitter. Criteria: LMM Criteria. Collection method: clinical testing. Allele origin: germline. Observed: 1 variant allele.
Comment: c.2954-15C>T in intron 25 of CDH23: This variant is not expected to have clinica l significance because a C>T change at this position does not diverge from the s plice consensus sequence and is therefore unlikely to impact splicing. It has be en identified in 0.6% (19/3214) of African chromosomes by the Exome Aggregation Consortium (ExAC; dbSNP rs376377077).